The following is an entry in ClinVar:

ClinVar aggregate classification (germline): Uncertain significance. Review status: criteria provided, multiple submitters, no conflicts (2 of 4 stars). 2 submissions from 2 submitters: Uncertain significance (2). Last evaluated 2024-06-26.

Allele frequency attached by ClinVar (database versions not stated): gnomAD 0.00014; TOPMed 0.00014; 1000 Genomes Project 30x 0.00016; 1000 Genomes Project 0.00020; ESP Exome Variant Server 0.00023.
gnomAD v4.1: 62 of 1,614,098 alleles (0.0038%); highest among the groups gnomAD compares: African/African-American, 0.045%; no homozygotes.

Submissions (2):

Blueprint Genetics
Classification: Uncertain significance. Last evaluated: 2024-06-26. Review status: criteria provided, single submitter. Criteria: ACMG Guidelines, 2015. Collection method: clinical testing. Allele origin: germline.

Labcorp Genetics (formerly Invitae), Labcorp
Classification: Uncertain significance. Last evaluated: 2022-09-13. Review status: criteria provided, single submitter. Criteria: Invitae Variant Classification Sherloc (09022015). Collection method: clinical testing. Allele origin: germline.
Comment: This sequence change replaces leucine, which is neutral and non-polar, with phenylalanine, which is neutral and non-polar, at codon 1021 of the TRPM1 protein (p.Leu1021Phe). This variant is present in population databases (rs199609931, gnomAD 0.05%). This variant has not been reported in the literature in individuals affected with TRPM1-related conditions. ClinVar contains an entry for this variant (Variation ID: 1424961). Algorithms developed to predict the effect of missense changes on protein structure and function are either unavailable or do not agree on the potential impact of this missense change (SIFT: "Deleterious"; PolyPhen-2: "Possibly Damaging"; Align-GVGD: "Class C0"). Algorithms developed to predict the effect of sequence changes on RNA splicing suggest that this variant may disrupt the consensus splice site. In summary, the available evidence is currently insufficient to determine the role of this variant in disease. Therefore, it has been classified as a Variant of Uncertain Significance.

NM_001252024.2(TRPM1):c.3127C>T (p.Leu1043Phe)

Genes: TRPM1 (transient receptor potential cation channel subfamily M member 1; minus strand), TRPM1-AS1 (TRPM1 antisense RNA 1; plus strand). Cytogenetic location: 15q13.3.
Variant type: single nucleotide variant.
Coding change: c.3127C>T on transcript NM_001252024.2 (MANE Select); coding-DNA position 3127, C replaced by T.
Protein change: p.Leu1043Phe; replaces leucine 1043 with phenylalanine.
Molecular consequence: missense variant.
Genome position (GRCh38, 1-based): chr15:31,030,983, G>A on the plus strand (C>T on the coding strand, the complement: TRPM1 is on the minus strand). VCF-style: chr15-31030983-G-A. GRCh37 (hg19) VCF-style: chr15-31323186-G-A.
Other names: c.3178C>T, p.Leu1060Phe (NM_001252020.2); c.3061C>T, p.Leu1021Phe (NM_002420.6); short protein forms L1021F, L1043F, L1060F.
Identifiers: ClinVar variation 1424961 (VCV001424961.4), dbSNP rs199609931, ClinGen allele CA7451990.
Genomic context (GRCh38, chr15:31,030,983, plus strand): 5'-GGAACTGATCATCTGCCTCAGAAGCAGGGAAGAGAATCTTACTATGAATTCTACTCTTAC[G>A]GTCTATCTGGTCTGCAAACACCTCTCCATAGATCATCCAGTAGGGCATGTAGAAGATGTT-3'
Protein context (NP_001238953.1, residues 1033-1053): YGEVFADQID[Leu1043Phe]YAMEINPPCG